The following is an entry in ClinVar:

NM_024675.4(PALB2):c.813T>G (p.Ser271Arg)

Gene: PALB2 (partner and localizer of BRCA2; minus strand). Cytogenetic location: 16p12.2.
Variant type: single nucleotide variant.
Coding change: c.813T>G on transcript NM_024675.4 (MANE Select); coding-DNA position 813, T replaced by G.
Protein change: p.Ser271Arg; replaces serine 271 with arginine.
Molecular consequence: missense variant.
Genome position (GRCh38, 1-based): chr16:23,635,733, A>C on the plus strand (T>G on the coding strand, the complement: PALB2 is on the minus strand). VCF-style: chr16-23635733-A-C. GRCh37 (hg19) VCF-style: chr16-23647054-A-C.
Other names: short protein forms S271R.
Identifiers: ClinVar variation 410176 (VCV000410176.9), dbSNP rs786203246, ClinGen allele CA16614867.
Genomic context (GRCh38, chr16:23,635,733, plus strand): 5'-TGCCTCCAAACTTACAGGTGAAGTAAATCTAATGTTTTTTAGGTCGTGAGTAGTAAGTTC[A>C]CTGCTACCTTTAGGAGGAATGTGTTCAAGGTGCTGACTACTACCGCTATCTGATAGAGTC-3'
Protein context (NP_078951.2, residues 261-281): HLEHIPPKGS[Ser271Arg]ELTTHDLKNI

ClinVar aggregate classification (germline): Uncertain significance (1 of 4 stars; one submission).

Conditions:
Familial cancer of breast. Also called: BREAST CANCER, FAMILIAL; Hereditary breast cancer; hereditary breast carcinoma. Identifiers: Orphanet 227535, MedGen C0346153, MONDO:0016419, OMIM 114480. Disease mechanism: loss of function.

Submission:

Labcorp Genetics (formerly Invitae), Labcorp
Classification: Uncertain significance for Familial cancer of breast. Last evaluated: 2026-01-10. Review status: criteria provided, single submitter. Criteria: Invitae Variant Classification Sherloc (09022015). Collection method: clinical testing. Allele origin: germline.
Comment: This sequence change replaces serine, which is neutral and polar, with arginine, which is basic and polar, at codon 271 of the PALB2 protein (p.Ser271Arg). This variant is not present in population databases (gnomAD no frequency). This variant has not been reported in the literature in individuals affected with PALB2-related conditions. ClinVar contains an entry for this variant (Variation ID: 410176). An algorithm developed to predict the effect of missense changes on protein structure and function (PolyPhen-2) suggests that this variant is likely to be tolerated. In summary, the available evidence is currently insufficient to determine the role of this variant in disease. Therefore, it has been classified as a Variant of Uncertain Significance.